The following is an entry in ClinVar:

NM_005585.5(SMAD6):c.810C>A (p.Cys270Ter)

Gene: SMAD6 (SMAD family member 6; plus strand). Cytogenetic location: 15q22.31.
Variant type: single nucleotide variant.
Coding change: c.810C>A on transcript NM_005585.5 (MANE Select); coding-DNA position 810, C replaced by A.
Protein change: p.Cys270Ter; replaces cysteine 270 with a stop codon.
Molecular consequence: nonsense. On other transcripts: non-coding transcript variant (1).
Genome position (GRCh38, 1-based): chr15:66,704,068, C>A. VCF-style: chr15-66704068-C-A. GRCh37 (hg19) VCF-style: chr15-66996406-C-A.
Other names: short protein forms C270*.
Identifiers: ClinVar variation 4526989 (VCV004526989.1).

ClinVar aggregate classification (germline): Likely pathogenic (1 of 4 stars; one submission).

gnomAD v4.1: 2 of 1,491,056 alleles (0.00013%); highest among the groups gnomAD compares: Admixed American, 0.0022%; no homozygotes.

Submission:

GeneDx
Classification: Likely pathogenic. Last evaluated: 2025-05-08. Review status: criteria provided, single submitter. Criteria: GeneDx Variant Classification Process June 2021. Collection method: clinical testing. Allele origin: germline. Affected: yes.
Comment: Nonsense variant predicted to result in protein truncation or nonsense mediated decay in a gene for which loss of function is a known mechanism of disease; Not observed at significant frequency in large population cohorts (gnomAD); Has not been previously published as pathogenic or benign to our knowledge